The following is an entry in ClinVar:

ClinVar aggregate classification (germline): Uncertain significance (1 of 4 stars; one submission).

Submission:

Labcorp Genetics (formerly Invitae), Labcorp
Classification: Uncertain significance. Last evaluated: 2022-03-10. Review status: criteria provided, single submitter. Criteria: Invitae Variant Classification Sherloc (09022015). Collection method: clinical testing. Allele origin: germline.
Comment: In summary, the available evidence is currently insufficient to determine the role of this variant in disease. Therefore, it has been classified as a Variant of Uncertain Significance. Algorithms developed to predict the effect of missense changes on protein structure and function (SIFT, PolyPhen-2, Align-GVGD) all suggest that this variant is likely to be disruptive. This missense change has been observed in individual(s) with retinitis pigmentosa (Invitae). This variant is not present in population databases (gnomAD no frequency). This sequence change replaces cysteine, which is neutral and slightly polar, with phenylalanine, which is neutral and non-polar, at codon 3323 of the USH2A protein (p.Cys3323Phe).

NM_206933.4(USH2A):c.9968G>T (p.Cys3323Phe)

Gene: USH2A (usherin; minus strand). Cytogenetic location: 1q41.
Variant type: single nucleotide variant.
Coding change: c.9968G>T on transcript NM_206933.4 (MANE Select); coding-DNA position 9968, G replaced by T.
Protein change: p.Cys3323Phe; replaces cysteine 3323 with phenylalanine.
Molecular consequence: missense variant.
Genome position (GRCh38, 1-based): chr1:215,790,273, C>A on the plus strand (G>T on the coding strand, the complement: USH2A is on the minus strand). VCF-style: chr1-215790273-C-A. GRCh37 (hg19) VCF-style: chr1-215963615-C-A.
Other names: short protein forms C3323F.
Identifiers: ClinVar variation 1466489 (VCV001466489.8), dbSNP rs1661945998, ClinGen allele CA344844885.
Genomic context (GRCh38, chr1:215,790,273, plus strand): 5'-TCTCCACTGGAAGCTGAGCAGCATATGGTATCTGACATATTCACATAATCCTGCCCACAA[C>A]AGAACATACCTGCAACAATAAAATGTTATATATGAATATGAAATAGAAAAAGGGAAGAAA-3'
Protein context (NP_996816.3, residues 3313-3333): VVYNRLPGMF[Cys3323Phe]CGQDYVNMSD